The following is an entry in ClinVar:

NM_024422.6(DSC2):c.2363A>C (p.Lys788Thr)

Gene: DSC2 (desmocollin 2; minus strand). Cytogenetic location: 18q12.1.
Variant type: single nucleotide variant.
Coding change: c.2363A>C on transcript NM_024422.6 (MANE Select); coding-DNA position 2363, A replaced by C.
Protein change: p.Lys788Thr; replaces lysine 788 with threonine.
Molecular consequence: missense variant.
Genome position (GRCh38, 1-based): chr18:31,069,039, T>G on the plus strand (A>C on the coding strand, the complement: DSC2 is on the minus strand). VCF-style: chr18-31069039-T-G. GRCh37 (hg19) VCF-style: chr18-28649005-T-G.
Other names: c.2363A>C, p.Lys788Thr (NM_004949.5); short protein forms K788T.
Identifiers: ClinVar variation 922883 (VCV000922883.10), dbSNP rs1430547540, ClinGen allele CA402111655.

ClinVar aggregate classification (germline): Uncertain significance. Review status: criteria provided, multiple submitters, no conflicts (2 of 4 stars). 5 submissions from 5 submitters: Uncertain significance (5). Last evaluated 2024-11-18.

Conditions:
Cardiovascular phenotype. Identifiers: MedGen CN230736.
Cardiomyopathy (CMYO). Also called: Cardiomyopathies. Identifiers: Orphanet 167848, MedGen C0878544, MONDO:0004994, HP:0001638. Inheritance: Various modes of inheritance.
Arrhythmogenic right ventricular dysplasia 11. Also called: ARRHYTHMOGENIC RIGHT VENTRICULAR DYSPLASIA, FAMILIAL, 11; Arrhythmogenic Right Ventricular Dysplasia/Cardiomyopathy11; Arrhythmogenic right ventricular dysplasia 11 with mild palmoplantar keratoderma and woolly hair. Identifiers: MedGen C1864850, MONDO:0012506, OMIM 610476.

Allele frequency attached by ClinVar (database versions not stated): TOPMed 0.00001.
gnomAD v4.1: 2 of 1,614,030 alleles (0.00012%); highest among the groups gnomAD compares: Non-Finnish European, 0.00017%; no homozygotes.

Submissions (5):

Ambry Genetics
Classification: Uncertain significance for Cardiovascular phenotype. Last evaluated: 2024-11-18. Review status: criteria provided, single submitter. Criteria: Ambry Variant Classification Scheme 2023. Collection method: clinical testing. Allele origin: germline.
Comment: The p.K788T variant (also known as c.2363A>C), located in coding exon 15 of the DSC2 gene, results from an A to C substitution at nucleotide position 2363. The lysine at codon 788 is replaced by threonine, an amino acid with similar properties. This amino acid position is conserved. In addition, the in silico prediction for this alteration is inconclusive. Based on the available evidence, the clinical significance of this variant remains unclear.

Color Diagnostics, LLC DBA Color Health
Classification: Uncertain significance for Cardiomyopathy. Last evaluated: 2024-03-06. Review status: criteria provided, single submitter. Criteria: ACMG Guidelines, 2015. Collection method: clinical testing. Allele origin: germline.
Comment: This missense variant replaces lysine with threonine at codon 788 of the DSC2 protein. Computational prediction tool suggests that this variant may not impact protein structure and function (internally defined REVEL score threshold <=0.5, PMID: 27666373). Splice site prediction tools suggest that this variant may not impact RNA splicing. To our knowledge, functional studies have not been performed for this variant. This variant has not been reported in individuals affected with cardiovascular disorders in the literature. This variant has not been identified in the general population by the Genome Aggregation Database (gnomAD). The available evidence is insufficient to determine the role of this variant in disease conclusively. Therefore, this variant is classified as a Variant of Uncertain Significance.

Fulgent Genetics
Classification: Uncertain significance for Arrhythmogenic right ventricular dysplasia 11. Last evaluated: 2021-08-11. Review status: criteria provided, single submitter. Criteria: ACMG Guidelines, 2015. Collection method: clinical testing. Allele origin: unknown.

Labcorp Genetics (formerly Invitae), Labcorp
Classification: Uncertain significance for Arrhythmogenic right ventricular dysplasia 11. Last evaluated: 2021-07-28. Review status: criteria provided, single submitter. Criteria: Invitae Variant Classification Sherloc (09022015). Collection method: clinical testing. Allele origin: germline.
Comment: In summary, the available evidence is currently insufficient to determine the role of this variant in disease. Therefore, it has been classified as a Variant of Uncertain Significance. Algorithms developed to predict the effect of missense changes on protein structure and function are either unavailable or do not agree on the potential impact of this missense change (SIFT: "Deleterious"; PolyPhen-2: "Probably Damaging"; Align-GVGD: "Class C0"). ClinVar contains an entry for this variant (Variation ID: 922883). This variant has not been reported in the literature in individuals affected with DSC2-related conditions. This variant is not present in population databases (ExAC no frequency). This sequence change replaces lysine with threonine at codon 788 of the DSC2 protein (p.Lys788Thr). The lysine residue is highly conserved and there is a moderate physicochemical difference between lysine and threonine.

Breakthrough Genomics
Classification: Uncertain significance. Review status: criteria provided, single submitter. Criteria: ACMG Guidelines, 2015. Collection method: not provided. Allele origin: germline. Inheritance: Autosomal recessive inheritance. Affected: yes.